The following is an entry in ClinVar:

NM_004329.3(BMPR1A):c.369del (p.Glu123fs)

Gene: BMPR1A (bone morphogenetic protein receptor type 1A; plus strand). Cytogenetic location: 10q23.2.
Variant type: Deletion.
Coding change: c.369del on transcript NM_004329.3 (MANE Select); coding-DNA position 369, one base deleted (A; older notation c.369delA).
Protein change: p.Glu123fs; shifts the reading frame from glutamic acid 123.
Molecular consequence: frameshift variant.
Genome position (GRCh38, 1-based): chr10:86,899,829, A deleted; the last of 2 consecutive A bases (chr10:86,899,828-86,899,829); deleting either gives the same sequence. VCF-style (leftmost placement, unchanged base first): chr10-86899827-GA-G. GRCh37 (hg19) VCF-style: chr10-88659584-GA-G.
Other names: c.369delA (NM_004329.2); short protein forms E123fs.
Identifiers: ClinVar variation 127901 (VCV000127901.2), dbSNP rs587780109, ClinGen allele CA288008.

ClinVar aggregate classification (germline): Pathogenic (1 of 4 stars; one submission).

Submission:

GeneDx
Classification: Pathogenic. Last evaluated: 2014-02-03. Review status: criteria provided, single submitter. Criteria: GeneDx Variant Classification (06012015). Collection method: clinical testing. Allele origin: germline. Affected: yes.
Comment: This pathogenic variant is denoted BMPR1A c.369delA at the cDNA level and p.Glu123AspfsX21 (E123DfsX21) at the protein level. The normal sequence, with the base that is deleted in brackets, is TAGA(delA)TGTT. The deletion causes a frameshift, which changes a Glutamic Acid to an Aspartic Acid at codon 123, and creates a premature stop codon at position 21 of the new reading frame. This variant is predicted to cause loss of normal protein function through either protein truncation or nonsense-mediated mRNA decay. Although this variant has not been previously reported to our knowledge, it is considered pathogenic.